The following is an entry in ClinVar:

ClinVar aggregate classification (germline): Uncertain significance (1 of 4 stars; one submission).

Submission:

Dasa
Classification: Uncertain significance. Last evaluated: 2026-05-18. Review status: criteria provided, single submitter. Criteria: DASA Assertion Criteria. Collection method: clinical testing. Allele origin: germline.
Comment: NM_012090.5(MACF1):c.112C>T (p.Pro38Ser) is a missense variant that results in the substitution of proline with serine. This variant is rare in population databases. The currently available literature and clinical evidence are not sufficient to establish a definitive association between this variant and the reported condition. Therefore, this variant is classified as a variant of uncertain significance.

NM_012090.5(MACF1):c.112C>T (p.Pro38Ser)

Gene: MACF1 (microtubule actin crosslinking factor 1; plus strand). Cytogenetic location: 1p34.3.
Variant type: single nucleotide variant.
Coding change: c.112C>T on transcript NM_012090.5; coding-DNA position 112, C replaced by T.
Protein change: p.Pro38Ser; replaces proline 38 with serine.
Molecular consequence: missense variant.
Genome position (GRCh38, 1-based): chr1:39,084,330, C>T. VCF-style: chr1-39084330-C-T. GRCh37 (hg19) VCF-style: chr1-39550002-C-T.
Other names: short protein forms P38S.
Identifiers: ClinVar variation 5020553 (VCV005020553.1).